The following is an entry in ClinVar:

NM_183381.3(RNF13):c.382G>A (p.Asp128Asn)

Gene: RNF13 (ring finger protein 13; plus strand). Cytogenetic location: 3q25.1.
Variant type: single nucleotide variant.
Coding change: c.382G>A on transcript NM_183381.3 (MANE Select); coding-DNA position 382, G replaced by A.
Protein change: p.Asp128Asn; replaces aspartic acid 128 with asparagine.
Molecular consequence: missense variant. On other transcripts: 5 prime UTR variant (1), non-coding transcript variant (1).
Genome position (GRCh38, 1-based): chr3:149,895,533, G>A. VCF-style: chr3-149895533-G-A. GRCh37 (hg19) VCF-style: chr3-149613320-G-A.
Other names: c.382G>A, p.Asp128Asn (NM_001378285.1, NM_001378286.1, NM_007282.4); c.15G>A, p.Met5Ile (NM_001378287.1, NM_001378288.1, NM_001378289.1 and 2 more transcripts); c.-12G>A (NM_001378291.1); short protein forms D128N, M5I.
Identifiers: ClinVar variation 5008036 (VCV005008036.1).

ClinVar aggregate classification (germline): Uncertain significance (1 of 4 stars; one submission).

gnomAD v4.1: 4 of 1,601,360 alleles (0.00025%); highest among the groups gnomAD compares: South Asian, 0.0011%; no homozygotes.

Submission:

GeneDx
Classification: Uncertain significance. Last evaluated: 2026-02-27. Review status: criteria provided, single submitter. Criteria: GeneDx Variant Classification Process June 2021. Collection method: clinical testing. Allele origin: germline.
Comment: Not observed at significant frequency in large population cohorts (gnomAD); In silico analysis suggests that this missense variant does not alter protein structure/function; Has not been previously published as pathogenic or benign to our knowledge